The following is an entry in ClinVar:

NM_002294.3(LAMP2):c.572A>T (p.Lys191Ile)

Gene: LAMP2 (lysosome associated membrane protein 2; minus strand). Cytogenetic location: Xq24.
Variant type: single nucleotide variant.
Coding change: c.572A>T on transcript NM_002294.3 (MANE Select); coding-DNA position 572, A replaced by T.
Protein change: p.Lys191Ile; replaces lysine 191 with isoleucine.
Molecular consequence: missense variant.
Genome position (GRCh38, 1-based): chrX:120,448,010, T>A on the plus strand (A>T on the coding strand, the complement: LAMP2 is on the minus strand). VCF-style: chrX-120448010-T-A. GRCh37 (hg19) VCF-style: chrX-119581865-T-A.
Other names: c.572A>T (NM_002294.2); c.572A>T, p.Lys191Ile (NM_001122606.1, NM_013995.2); short protein forms K191I.
Identifiers: ClinVar variation 1400018 (VCV001400018.9), dbSNP rs767918596, ClinGen allele CA10505280.
Genomic context (GRCh38, chrX:120,448,010, plus strand): 5'-GTTGTAGTAGGAGATGGCACAGTGGTGTGTATGGTGGGTGCCACTGTTGAAGTTTTGTCT[T>A]TATCACACAGGAACTCTAAAACAAGCGAAAAGGGACAAAAGAAACCAAAGCGGACATTTT-3'
Protein context (NP_002285.1, residues 181-201): TVSTNEFLCD[Lys191Ile]DKTSTVAPTI

ClinVar aggregate classification (germline): Uncertain significance. Review status: criteria provided, multiple submitters, no conflicts (2 of 4 stars). 4 submissions from 4 submitters: Uncertain significance (4). Last evaluated 2026-04-08.

Conditions:
Cardiovascular phenotype. Identifiers: MedGen CN230736.
LAMP2-related disorder. Also called: LAMP2-related condition.
Danon disease. Also called: Glycogen Storage Disease Type IIb; PSEUDOGLYCOGENOSIS II; GSD IIb; LYSOSOMAL GLYCOGEN STORAGE DISEASE WITHOUT ACID MALTASE DEFICIENCY; ANTOPOL DISEASE. Identifiers: Orphanet 34587, MedGen C0878677, MONDO:0010281, OMIM 300257.

Allele frequency attached by ClinVar (database versions not stated): ExAC 0.00001; gnomAD 0.00001; TOPMed 0.00002; gnomAD exomes below 0.00001.
gnomAD v4.1: 2 of 1,207,938 alleles (0.00017%); highest among the groups gnomAD compares: African/African-American, 0.0035%; no homozygotes.

Submissions (4):

PreventionGenetics, part of Exact Sciences
Classification: Uncertain significance for LAMP2-related condition. Last evaluated: 2026-04-08. Review status: criteria provided, single submitter. Criteria: ACMG Guidelines, 2015. Collection method: clinical testing. Allele origin: germline.
Comment: The LAMP2 c.572A>T variant is predicted to result in the amino acid substitution p.Lys191Ile. To our knowledge, this variant has not been reported in the literature or in a large population database (gnomAD), indicating this variant is rare. At this time, the clinical significance of this variant is uncertain due to the absence of conclusive functional and genetic evidence.

Labcorp Genetics (formerly Invitae), Labcorp
Classification: Uncertain significance for Danon disease. Last evaluated: 2025-08-29. Review status: criteria provided, single submitter. Criteria: Invitae Variant Classification Sherloc (09022015). Collection method: clinical testing. Allele origin: germline.
Comment: This sequence change replaces lysine, which is basic and polar, with isoleucine, which is neutral and non-polar, at codon 191 of the LAMP2 protein (p.Lys191Ile). This variant is not present in population databases (gnomAD no frequency). This variant has not been reported in the literature in individuals affected with LAMP2-related conditions. ClinVar contains an entry for this variant (Variation ID: 1400018). Invitae Evidence Modeling of protein sequence and biophysical properties (such as structural, functional, and spatial information, amino acid conservation, physicochemical variation, residue mobility, and thermodynamic stability) has been performed for this missense variant. However, the output from this modeling did not meet the statistical confidence thresholds required to predict the impact of this variant on LAMP2 protein function. In summary, the available evidence is currently insufficient to determine the role of this variant in disease. Therefore, it has been classified as a Variant of Uncertain Significance.

GeneDx
Classification: Uncertain significance. Last evaluated: 2024-11-08. Review status: criteria provided, single submitter. Criteria: GeneDx Variant Classification Process June 2021. Collection method: clinical testing. Allele origin: germline. Affected: yes.
Comment: Not observed at significant frequency in large population cohorts (gnomAD); In silico analysis supports that this missense variant has a deleterious effect on protein structure/function; Has not been previously published as pathogenic or benign to our knowledge

Ambry Genetics
Classification: Uncertain significance for Cardiovascular phenotype. Last evaluated: 2023-01-05. Review status: criteria provided, single submitter. Criteria: Ambry Variant Classification Scheme 2023. Collection method: clinical testing. Allele origin: germline.
Comment: The p.K191I variant (also known as c.572A>T), located in coding exon 5 of the LAMP2 gene, results from an A to T substitution at nucleotide position 572. The lysine at codon 191 is replaced by isoleucine, an amino acid with dissimilar properties. This amino acid position is poorly conserved in available vertebrate species. In addition, this alteration is predicted to be tolerated by in silico analysis. Since supporting evidence is limited at this time, the clinical significance of this alteration remains unclear.